The following is an entry in ClinVar:

ClinVar aggregate classification (germline): Uncertain significance (1 of 4 stars; one submission).

Submission:

Labcorp Genetics (formerly Invitae), Labcorp
Classification: Uncertain significance. Last evaluated: 2021-01-20. Review status: criteria provided, single submitter. Criteria: Invitae Variant Classification Sherloc (09022015). Collection method: clinical testing. Allele origin: germline.
Comment: This sequence change replaces arginine with tryptophan at codon 1098 of the CLTC protein (p.Arg1098Trp). The arginine residue is highly conserved and there is a moderate physicochemical difference between arginine and tryptophan. This variant is not present in population databases (ExAC no frequency). This variant has not been reported in the literature in individuals with CLTC-related conditions. Algorithms developed to predict the effect of missense changes on protein structure and function are either unavailable or do not agree on the potential impact of this missense change (SIFT: "Deleterious"; PolyPhen-2: "Not Available"; Align-GVGD: "Class C65"). In summary, the available evidence is currently insufficient to determine the role of this variant in disease. Therefore, it has been classified as a Variant of Uncertain Significance.

NM_004859.4(CLTC):c.3280C>T (p.Arg1094Trp)

Gene: CLTC (clathrin heavy chain; plus strand). Cytogenetic location: 17q23.1.
Variant type: single nucleotide variant.
Coding change: c.3280C>T on transcript NM_004859.4 (MANE Select); coding-DNA position 3280, C replaced by T.
Protein change: p.Arg1094Trp; replaces arginine 1094 with tryptophan.
Molecular consequence: missense variant.
Genome position (GRCh38, 1-based): chr17:59,681,677, C>T. VCF-style: chr17-59681677-C-T. GRCh37 (hg19) VCF-style: chr17-57759038-C-T.
Other names: c.3292C>T, p.Arg1098Trp (NM_001288653.2); short protein forms R1094W, R1098W.
Identifiers: ClinVar variation 1404634 (VCV001404634.8), dbSNP rs2143592283, ClinGen allele CA400417431.